The following is an entry in ClinVar:

NM_016222.4(DDX41):c.94G>A (p.Asp32Asn)

Gene: DDX41 (DEAD-box helicase 41; minus strand). Cytogenetic location: 5q35.3.
Variant type: single nucleotide variant.
Coding change: c.94G>A on transcript NM_016222.4 (MANE Select); coding-DNA position 94, G replaced by A.
Protein change: p.Asp32Asn; replaces aspartic acid 32 with asparagine.
Molecular consequence: missense variant. On other transcripts: 5 prime UTR variant (2).
Genome position (GRCh38, 1-based): chr5:177,516,769, C>T on the plus strand (G>A on the coding strand, the complement: DDX41 is on the minus strand). VCF-style: chr5-177516769-C-T. GRCh37 (hg19) VCF-style: chr5-176943770-C-T.
Other names: c.94G>A (NM_016222.2); c.-562G>A (NM_001321732.2); c.-354G>A (NM_001321830.2); short protein forms D32N.
Identifiers: ClinVar variation 2187772 (VCV002187772.5), dbSNP rs1245318068, ClinGen allele CA362377835.

ClinVar aggregate classification (germline): Conflicting classifications of pathogenicity. Review status: criteria provided, conflicting classifications (1 of 4 stars). 2 submissions from 2 submitters: Uncertain significance (1); Likely benign (1). Last evaluated 2025-09-25.

Conditions:
Inborn genetic diseases. Identifiers: MedGen C0950123, MeSH D030342.

Submissions (2):

Labcorp Genetics (formerly Invitae), Labcorp
Classification: Uncertain significance. Last evaluated: 2025-09-25. Review status: criteria provided, single submitter. Criteria: Invitae Variant Classification Sherloc (09022015). Collection method: clinical testing. Allele origin: germline.
Comment: This sequence change replaces aspartic acid, which is acidic and polar, with asparagine, which is neutral and polar, at codon 32 of the DDX41 protein (p.Asp32Asn). This variant is present in population databases (no rsID available, gnomAD no frequency). This variant has not been reported in the literature in individuals affected with DDX41-related conditions. ClinVar contains an entry for this variant (Variation ID: 2187772). An algorithm developed to predict the effect of missense changes on protein structure and function (PolyPhen-2) suggests that this variant is likely to be tolerated. In summary, the available evidence is currently insufficient to determine the role of this variant in disease. Therefore, it has been classified as a Variant of Uncertain Significance.

Ambry Genetics
Classification: Likely benign for Inborn genetic diseases. Last evaluated: 2025-05-15. Review status: criteria provided, single submitter. Criteria: Ambry Variant Classification Scheme 2023. Collection method: clinical testing. Allele origin: germline.